The following is an entry in ClinVar:

NM_000117.3(EMD):c.83-6G>A

Gene: EMD (emerin; plus strand). Cytogenetic location: Xq28.
Variant type: single nucleotide variant.
Coding change: c.83-6G>A on transcript NM_000117.3 (MANE Select); 6 bases into the intron before coding-DNA position 83, G replaced by A.
Molecular consequence: intron variant.
Genome position (GRCh38, 1-based): chrX:154,379,684, G>A. VCF-style: chrX-154379684-G-A. GRCh37 (hg19) VCF-style: chrX-153608044-G-A.
Identifiers: ClinVar variation 2835429 (VCV002835429.3), dbSNP rs2522787426, ClinGen allele CA2695115093.

ClinVar aggregate classification (germline): Uncertain significance (1 of 4 stars; one submission).

Conditions:
X-linked Emery-Dreifuss muscular dystrophy. Also called: Muscular dystrophy, tardive Emery-Dreifuss type, with contractures. Identifiers: Orphanet 261, Orphanet 98863, MedGen C0751337, MONDO:0010680.

Submission:

Labcorp Genetics (formerly Invitae), Labcorp
Classification: Uncertain significance for X-linked Emery-Dreifuss muscular dystrophy. Last evaluated: 2023-02-08. Review status: criteria provided, single submitter. Criteria: Invitae Variant Classification Sherloc (09022015). Collection method: clinical testing. Allele origin: germline.
Comment: This variant is not present in population databases (gnomAD no frequency). This sequence change falls in intron 1 of the EMD gene. It does not directly change the encoded amino acid sequence of the EMD protein. This variant has not been reported in the literature in individuals affected with EMD-related conditions. Algorithms developed to predict the effect of sequence changes on RNA splicing suggest that this variant may disrupt the consensus splice site. In summary, the available evidence is currently insufficient to determine the role of this variant in disease. Therefore, it has been classified as a Variant of Uncertain Significance.